The following is an entry in ClinVar:

NM_000238.4(KCNH2):c.2491C>T (p.His831Tyr)

Gene: KCNH2 (potassium voltage-gated channel subfamily H member 2; minus strand). Cytogenetic location: 7q36.1.
Variant type: single nucleotide variant.
Coding change: c.2491C>T on transcript NM_000238.4 (MANE Select); coding-DNA position 2491, C replaced by T.
Protein change: p.His831Tyr; replaces histidine 831 with tyrosine.
Molecular consequence: missense variant. On other transcripts: non-coding transcript variant (2).
Genome position (GRCh38, 1-based): chr7:150,948,957, G>A on the plus strand (C>T on the coding strand, the complement: KCNH2 is on the minus strand). VCF-style: chr7-150948957-G-A. GRCh37 (hg19) VCF-style: chr7-150646045-G-A.
Other names: c.2203C>T, p.His735Tyr (NM_001406753.1); c.1471C>T, p.His491Tyr (NM_172057.3); short protein forms H491Y, H735Y, H831Y.
Identifiers: ClinVar variation 3075247 (VCV003075247.1), dbSNP rs2486015608, ClinGen allele CA369855081.
Genomic context (GRCh38, chr7:150,948,957, plus strand): 5'-GGTCGGAGAACTCAGGGTACATGTCCAGCACCTCCAGCAGGTCGTCCCGATGGATCTTGT[G>A]TAGGTCACAGTAGGTGAGGGCCCGCACATCCCCGTTCGACTTGCCAGGCCTTGCATACAG-3'
Protein context (NP_000229.1, residues 821-841): DVRALTYCDL[His831Tyr]KIHRDDLLEV

ClinVar aggregate classification (germline): Uncertain significance (1 of 4 stars; one submission).

Conditions:
Long QT syndrome (LQTS). Identifiers: MedGen C0023976, MeSH D008133, MONDO:0002442. Disease mechanism: loss of function. Inheritance: Various modes of inheritance.

Submission:

All of Us Research Program, National Institutes of Health
Classification: Uncertain significance for Long QT syndrome. Last evaluated: 2024-01-03. Review status: criteria provided, single submitter. Criteria: ACMG Guidelines, 2015. Collection method: clinical testing. Allele origin: germline. Inheritance: Autosomal dominant inheritance. Observed: 1 variant allele, 1 heterozygote.
Comment: This missense variant replaces histidine with tyrosine at codon 831 of the KCNH2 protein. Computational prediction suggests that this variant may have deleterious impact on protein structure and function (internally defined REVEL score threshold >= 0.7, PMID: 27666373). To our knowledge, functional studies have not been reported for this variant. This variant has not been reported in individuals affected with KCNH2-related disorders in the literature. This variant has not been identified in the general population by the Genome Aggregation Database (gnomAD). The available evidence is insufficient to determine the role of this variant in disease conclusively. Therefore, this variant is classified as a Variant of Uncertain Significance.

This study involves interpretation of variants in research participants for the purpose of population health screening. Participant phenotype was not available at the time of variant classification. Additional details can be found in publication PMID: 35346344, PMCID: PMC8962531